The following is an entry in ClinVar:

ClinVar aggregate classification (germline): Conflicting classifications of pathogenicity. Review status: criteria provided, conflicting classifications (1 of 4 stars). 7 submissions from 7 submitters: Uncertain significance (1); Likely benign (5). 1 of the submissions does not count toward it. Last evaluated 2026-01-27.

Conditions:
Inborn genetic diseases. Identifiers: MedGen C0950123, MeSH D030342.
LRP6-related disorder. Also called: LRP6-related condition.

Allele frequency attached by ClinVar (database versions not stated): gnomAD exomes 0.00068 and 0.00079; ExAC 0.00086; 1000 Genomes Project 30x 0.00094; 1000 Genomes Project 0.00120; gnomAD 0.00141 and 0.00148; TOPMed 0.00172; ESP Exome Variant Server 0.00177.
gnomAD v4.1: 1,250 of 1,614,096 alleles (0.077%); highest among the groups gnomAD compares: Middle Eastern, 0.51%; 4 homozygotes.

Submissions (7):

Labcorp Genetics (formerly Invitae), Labcorp
Classification: Likely benign. Last evaluated: 2026-01-27. Review status: criteria provided, single submitter. Criteria: Invitae Variant Classification Sherloc (09022015). Collection method: clinical testing. Allele origin: germline.

Ambry Genetics
Classification: Uncertain significance for Inborn genetic diseases. Last evaluated: 2025-11-05. Review status: criteria provided, single submitter. Criteria: Ambry Variant Classification Scheme 2023. Collection method: clinical testing. Allele origin: germline.

CeGaT Center for Human Genetics Tuebingen
Classification: Likely benign. Last evaluated: 2025-09-01. Review status: criteria provided, single submitter. Criteria: CeGaT Center For Human Genetics Tuebingen Variant Classification Criteria Version 2. Collection method: clinical testing. Allele origin: germline. Affected: yes. Observed: 2 variant alleles.
Comment: LRP6: BS1

Genomic Medicine Center of Excellence, King Faisal Specialist Hospital and Research Centre
Classification: Likely benign. Last evaluated: 2025-08-18. Review status: criteria provided, single submitter. Criteria: ACMG Guidelines, 2015. Collection method: clinical testing. Allele origin: germline.

Blueprint Genetics
Classification: Likely benign. Last evaluated: 2024-11-11. Review status: criteria provided, single submitter. Criteria: ACMG Guidelines, 2015. Collection method: clinical testing. Allele origin: germline.

Breakthrough Genomics
Classification: Likely benign. Review status: criteria provided, single submitter. Criteria: ACMG Guidelines, 2015. Collection method: not provided. Allele origin: germline. Inheritance: Autosomal dominant inheritance. Affected: yes.

PreventionGenetics, part of Exact Sciences
Classification: Likely benign for LRP6-related condition. Last evaluated: 2020-02-26. Review status: no assertion criteria provided. Collection method: clinical testing. Allele origin: germline. Not counted in ClinVar's aggregate classification.
Comment: This variant is classified as likely benign based on ACMG/AMP sequence variant interpretation guidelines (Richards et al. 2015 PMID: 25741868, with internal and published modifications).

NM_002336.3(LRP6):c.4144G>T (p.Val1382Phe)

Gene: LRP6 (LDL receptor related protein 6; minus strand). Cytogenetic location: 12p13.2.
Variant type: single nucleotide variant.
Coding change: c.4144G>T on transcript NM_002336.3 (MANE Select); coding-DNA position 4144, G replaced by T.
Protein change: p.Val1382Phe; replaces valine 1382 with phenylalanine.
Molecular consequence: missense variant.
Genome position (GRCh38, 1-based): chr12:12,126,859, C>A on the plus strand (G>T on the coding strand, the complement: LRP6 is on the minus strand). VCF-style: chr12-12126859-C-A. GRCh37 (hg19) VCF-style: chr12-12279793-C-A.
Other names: short protein forms V1382F.
Identifiers: ClinVar variation 710129 (VCV000710129.24), dbSNP rs139480047, ClinGen allele CA6455024.
Genomic context (GRCh38, chr12:12,126,859, plus strand): 5'-TACGTGGACACAACATCCTCTGGCAGATAAAGTATACAGTTCCAGACACAAAAATGGTGA[C>A]AATTACGCCAATAACAGAACCAACTGTATTGGTGGCCTGTGGTGCTGGTTCTTCAGTCGG-3'
Protein context (NP_002327.2, residues 1372-1392): NTVGSVIGVI[Val1382Phe]TIFVSGTVYF